The following is an entry in ClinVar:

NM_133379.5(TTN):c.15484T>C (p.Trp5162Arg)

Gene: TTN (titin; minus strand). Cytogenetic location: 2q31.2.
Variant type: single nucleotide variant.
Coding change: c.15484T>C on transcript NM_133379.5; coding-DNA position 15484, T replaced by C.
Protein change: p.Trp5162Arg; replaces tryptophan 5162 with arginine.
Molecular consequence: missense variant. On other transcripts: intron variant (6).
Genome position (GRCh38, 1-based): chr2:178,746,916, A>G on the plus strand (T>C on the coding strand, the complement: TTN is on the minus strand). VCF-style: chr2-178746916-A-G. GRCh37 (hg19) VCF-style: chr2-179611643-A-G.
Other names: c.10223-4995T>C (NM_003319.4); c.10799-4995T>C (NM_133437.4); c.10598-4995T>C (NM_133432.3); c.10360+6208T>C (NM_133378.4); c.10361-4995T>C (NM_001256850.1); c.11312-4995T>C (NM_001267550.2); short protein forms W5162R.
Identifiers: ClinVar variation 993378 (VCV000993378.24), dbSNP rs921768334, ClinGen allele CA60987104.

ClinVar aggregate classification (germline): Uncertain significance. Review status: criteria provided, multiple submitters, no conflicts (2 of 4 stars). 2 submissions from 2 submitters: Uncertain significance (2). Last evaluated 2024-08-01.

Allele frequency attached by ClinVar (database versions not stated): gnomAD 0.00001; gnomAD exomes 0.00001; TOPMed 0.00001.
gnomAD v4.1: 14 of 1,613,436 alleles (0.00087%); highest among the groups gnomAD compares: Middle Eastern, 0.016%; no homozygotes.

Submissions (2):

CeGaT Center for Human Genetics Tuebingen
Classification: Uncertain significance. Last evaluated: 2024-08-01. Review status: criteria provided, single submitter. Criteria: CeGaT Center For Human Genetics Tuebingen Variant Classification Criteria Version 2. Collection method: clinical testing. Allele origin: germline. Affected: yes. Observed: 1 variant allele.
Comment: TTN: PM2, BP4

ARUP Laboratories, Molecular Genetics and Genomics, ARUP Laboratories
Classification: Uncertain significance. Last evaluated: 2019-11-11. Review status: criteria provided, single submitter. Criteria: ARUP Molecular Germline Variant Investigation Process. Collection method: clinical testing. Allele origin: germline.
Comment: The TTN c.15484T>C; p.Trp5162Arg variant (rs921768334) is rare in the general population (<1% allele frequency in the Genome Aggregation Database) and has not been reported in the medical literature in association with dilated cardiomyopathy (DCM) or other TTN-related disease. The clinical relevance of rare missense variants in this gene, which are identified on average once per individual sequenced in affected populations (Herman 2012), is not well understood. Yet, evidence suggests that the vast majority of such missense variants do not contribute to the clinical outcome of DCM (Begay 2015). Thus, the clinical significance of the p.Trp5162Arg variant cannot be determined with certainty. References: Begay RL et al. Role of Titin Missense Variants in Dilated Cardiomyopathy. J Am Heart Assoc. 2015 Nov 13;4(11). Herman DS et al. Truncations of titin causing dilated cardiomyopathy. N Engl J Med. 2012 Feb 16;366(7):619-28. Linke and Hamdani. Gigantic business: titin properties and function through thick and thin. Circ Res 2014; 114(6): 1052-1068.